The following is an entry in ClinVar:

NM_207122.2(EXT2):c.1826C>A (p.Thr609Asn)

Gene: EXT2 (exostosin glycosyltransferase 2; plus strand). Cytogenetic location: 11p11.2.
Variant type: single nucleotide variant.
Coding change: c.1826C>A on transcript NM_207122.2 (MANE Select); coding-DNA position 1826, C replaced by A.
Protein change: p.Thr609Asn; replaces threonine 609 with asparagine.
Molecular consequence: missense variant.
Genome position (GRCh38, 1-based): chr11:44,234,134, C>A. VCF-style: chr11-44234134-C-A. GRCh37 (hg19) VCF-style: chr11-44255684-C-A.
Other names: c.1925C>A, p.Thr642Asn (NM_000401.3); c.1856C>A, p.Thr619Asn (NM_001178083.3); c.1826C>A, p.Thr609Asn (NM_001389628.1, NM_001389630.1); short protein forms T609N, T642N, T619N.
Identifiers: ClinVar variation 3646367 (VCV003646367.2).

ClinVar aggregate classification (germline): Uncertain significance (1 of 4 stars; one submission).

Conditions:
Exostoses, multiple, type 2 (EXT2). Also called: Hereditary Multiple Osteochondromatosis, Type II; EXOSTOSES, MULTIPLE, TYPE II. Identifiers: Orphanet 321, MedGen C1851413, MONDO:0007586, OMIM 133701.

Submission:

Labcorp Genetics (formerly Invitae), Labcorp
Classification: Uncertain significance for Exostoses, multiple, type 2. Last evaluated: 2024-03-16. Review status: criteria provided, single submitter. Criteria: Invitae Variant Classification Sherloc (09022015). Collection method: clinical testing. Allele origin: germline.
Comment: This sequence change replaces threonine, which is neutral and polar, with asparagine, which is neutral and polar, at codon 609 of the EXT2 protein (p.Thr609Asn). This variant is not present in population databases (gnomAD no frequency). This variant has not been reported in the literature in individuals affected with EXT2-related conditions. Advanced modeling of protein sequence and biophysical properties (such as structural, functional, and spatial information, amino acid conservation, physicochemical variation, residue mobility, and thermodynamic stability) performed at Invitae indicates that this missense variant is expected to disrupt EXT2 protein function with a positive predictive value of 80%. In summary, the available evidence is currently insufficient to determine the role of this variant in disease. Therefore, it has been classified as a Variant of Uncertain Significance.